The following is an entry in ClinVar:

NM_014712.3(SETD1A):c.3113C>T (p.Ser1038Phe)

Gene: SETD1A (SET domain containing 1A, histone lysine methyltransferase; plus strand). Cytogenetic location: 16p11.2.
Variant type: single nucleotide variant.
Coding change: c.3113C>T on transcript NM_014712.3 (MANE Select); coding-DNA position 3113, C replaced by T.
Protein change: p.Ser1038Phe; replaces serine 1038 with phenylalanine.
Molecular consequence: missense variant.
Genome position (GRCh38, 1-based): chr16:30,971,474, C>T. VCF-style: chr16-30971474-C-T. GRCh37 (hg19) VCF-style: chr16-30982795-C-T.
Other names: short protein forms S1038F.
Identifiers: ClinVar variation 3361406 (VCV003361406.1).

ClinVar aggregate classification (germline): Uncertain significance (1 of 4 stars; one submission).

Submission:

GeneDx
Classification: Uncertain significance. Last evaluated: 2023-07-24. Review status: criteria provided, single submitter. Criteria: GeneDx Variant Classification Process June 2021. Collection method: clinical testing. Allele origin: germline. Affected: yes.
Comment: Not observed at significant frequency in large population cohorts (gnomAD); In silico analysis supports that this missense variant has a deleterious effect on protein structure/function; Has not been previously published as pathogenic or benign to our knowledge